The following is an entry in ClinVar:

ClinVar aggregate classification (germline): Likely benign (1 of 4 stars; one submission).

Submission:

CeGaT Center for Human Genetics Tuebingen
Classification: Likely benign. Last evaluated: 2025-01-01. Review status: criteria provided, single submitter. Criteria: CeGaT Center For Human Genetics Tuebingen Variant Classification Criteria Version 2. Collection method: clinical testing. Allele origin: germline. Affected: yes. Observed: 1 variant allele.
Comment: SCNN1D: BP4, BP7

NM_001130413.4(SCNN1D):c.1278C>A (p.Ser426=)

Gene: SCNN1D (sodium channel epithelial 1 subunit delta; plus strand). Cytogenetic location: 1p36.33.
Variant type: single nucleotide variant.
Coding change: c.1278C>A on transcript NM_001130413.4 (MANE Select); coding-DNA position 1278, C replaced by A.
Protein change: p.Ser426=; no amino-acid change (serine 426 retained).
Molecular consequence: synonymous variant. On other transcripts: non-coding transcript variant (1).
Genome position (GRCh38, 1-based): chr1:1,287,267, C>A. VCF-style: chr1-1287267-C-A. GRCh37 (hg19) VCF-style: chr1-1222647-C-A.
Identifiers: ClinVar variation 3770735 (VCV003770735.13).